The following is an entry in ClinVar:

NM_032737.4(LMNB2):c.481G>C (p.Val161Leu)

Gene: LMNB2 (lamin B2; minus strand). Cytogenetic location: 19p13.3.
Variant type: single nucleotide variant.
Coding change: c.481G>C on transcript NM_032737.4 (MANE Select); coding-DNA position 481, G replaced by C.
Protein change: p.Val161Leu; replaces valine 161 with leucine.
Molecular consequence: missense variant.
Genome position (GRCh38, 1-based): chr19:2,438,452, C>G on the plus strand (G>C on the coding strand, the complement: LMNB2 is on the minus strand). VCF-style: chr19-2438452-C-G. GRCh37 (hg19) VCF-style: chr19-2438450-C-G.
Other names: short protein forms V161L.
Identifiers: ClinVar variation 1002507 (VCV001002507.8), dbSNP rs752878483, ClinGen allele CA403257780.

ClinVar aggregate classification (germline): Uncertain significance (1 of 4 stars; one submission).

Conditions:
Progressive myoclonic epilepsy type 9. Identifiers: Orphanet 457265, MedGen C4225289, MONDO:0014685, OMIM 616540.
Lipodystrophy, partial, acquired, susceptibility to (APLD). Also called: APLD, SUSCEPTIBILITY TO. Identifiers: MedGen C3887501, MONDO:0100476, OMIM 608709.

Submission:

Labcorp Genetics (formerly Invitae), Labcorp
Classification: Uncertain significance for Progressive myoclonic epilepsy type 9; Lipodystrophy, partial, acquired, susceptibility to. Last evaluated: 2020-09-21. Review status: criteria provided, single submitter. Criteria: Invitae Variant Classification Sherloc (09022015). Collection method: clinical testing. Allele origin: germline.
Comment: This variant has not been reported in the literature in individuals with LMNB2-related conditions. In summary, the available evidence is currently insufficient to determine the role of this variant in disease. Therefore, it has been classified as a Variant of Uncertain Significance. Algorithms developed to predict the effect of missense changes on protein structure and function are either unavailable or do not agree on the potential impact of this missense change (SIFT: "Deleterious"; PolyPhen-2: "Benign"; Align-GVGD: "Class C0"). This variant is not present in population databases (ExAC no frequency). This sequence change replaces valine with leucine at codon 161 of the LMNB2 protein (p.Val161Leu). The valine residue is weakly conserved and there is a small physicochemical difference between valine and leucine.